The following is an entry in ClinVar:

ClinVar aggregate classification (germline): Uncertain significance (1 of 4 stars; one submission).

Allele frequency attached by ClinVar (database versions not stated): gnomAD 0.00001; TOPMed 0.00002.
gnomAD v4.1: 8 of 1,613,236 alleles (0.0005%); highest among the groups gnomAD compares: Admixed American, 0.013%; no homozygotes.

Submission:

Labcorp Genetics (formerly Invitae), Labcorp
Classification: Uncertain significance. Last evaluated: 2025-09-22. Review status: criteria provided, single submitter. Criteria: Invitae Variant Classification Sherloc (09022015). Collection method: clinical testing. Allele origin: germline.
Comment: This sequence change replaces serine, which is neutral and polar, with tyrosine, which is neutral and polar, at codon 360 of the CREB3L3 protein (p.Ser360Tyr). This variant is present in population databases (no rsID available, gnomAD 0.02%). This missense change has been observed in individual(s) with hypertriglyceridemia and/or suspected genetic dyslipidemia (PMID: 36325899; internal data). ClinVar contains an entry for this variant (Variation ID: 2751393). Invitae Evidence Modeling of protein sequence and biophysical properties (such as structural, functional, and spatial information, amino acid conservation, physicochemical variation, residue mobility, and thermodynamic stability) indicates that this missense variant is expected to disrupt CREB3L3 protein function with a positive predictive value of 80%. In summary, the available evidence is currently insufficient to determine the role of this variant in disease. Therefore, it has been classified as a Variant of Uncertain Significance.

Literature cited by the submitters: PubMed 36325899.

NM_032607.3(CREB3L3):c.1079C>A (p.Ser360Tyr)

Gene: CREB3L3 (cAMP responsive element binding protein 3 like 3; plus strand). Cytogenetic location: 19p13.3.
Variant type: single nucleotide variant.
Coding change: c.1079C>A on transcript NM_032607.3 (MANE Select); coding-DNA position 1079, C replaced by A.
Protein change: p.Ser360Tyr; replaces serine 360 with tyrosine.
Molecular consequence: missense variant. On other transcripts: synonymous variant (1).
Genome position (GRCh38, 1-based): chr19:4,171,662, C>A. VCF-style: chr19-4171662-C-A. GRCh37 (hg19) VCF-style: chr19-4171659-C-A.
Other names: c.1076C>A, p.Ser359Tyr (NM_001271995.2); c.1073C>A, p.Ser358Tyr (NM_001271996.2); c.972C>A, p.Leu324= (NM_001271997.2); short protein forms S358Y, S359Y, S360Y.
Identifiers: ClinVar variation 2751393 (VCV002751393.3), dbSNP rs1018700037, ClinGen allele CA304468745.